The following is an entry in ClinVar:

ClinVar aggregate classification (germline): Uncertain significance (1 of 4 stars; one submission).

Conditions:
Immunodeficiency 75. Also called: IMMUNODEFICIENCY 75 WITH LYMPHOPROLIFERATION. Identifiers: Orphanet 664729, MedGen C5436860, MONDO:0030858, OMIM 619126.

Allele frequency attached by ClinVar (database versions not stated): gnomAD exomes below 0.00001 and 0.00001.
gnomAD v4.1: 4 of 1,551,128 alleles (0.00026%); highest among the groups gnomAD compares: Non-Finnish European, 0.00026%; no homozygotes.

Submission:

Victorian Clinical Genetics Services, Murdoch Childrens Research Institute
Classification: Uncertain significance for Immunodeficiency 75. Last evaluated: 2020-10-19. Review status: criteria provided, single submitter. Criteria: ACMG Guidelines, 2015. Collection method: clinical testing. Allele origin: germline. Inheritance: Autosomal dominant inheritance.
Comment: Based on the classification scheme VCGS_Germline_v1.1.1, this variant is classified as 3A-VUS. Following criteria are met: 0102 - Loss-of-function is a known mechanism of disease for this gene. (N) 0107 - Disease association for germline variants in this gene has not been well-established. However, germline variants have been reported in autosomal dominant diseases (myeloid and lymphoma malignancies; PMIDs: 31827242, 30890702, 20061559). Somatic variants have been associated with myelodysplastic syndrome (OMIM) and this gene is commonly mutated in the clonal haematopoiesis of indeterminate potential (CHIP) phenomenon (PMID: 27834397). (N) 0205 - Variant is predicted to result in a truncated protein with less than 1/3 of the protein affected (exon 11 of 11). (P) 0251 - Variant is heterozygous. (N) 0302 - Variant is present in gnomAD <0.001 for a dominant condition (1 heterozygote, 0 homozygotes). (P) 0601 - Variant affects amino acid residues downstream essential for protein enzymatic activity (PMID: 24315485). (P) 0704 - Comparable germline variant has low previous evidence for pathogenicity. Protein-truncating variant downstream has been reported in a patient with myeloproliferative neoplasms (PMID: 20061559). (P) 0807 - In the germline context, variant has not previously been reported in a clinical context. (N) 0905 - No segregation evidence has been identified for this variant. (N) 1007 - No published functional evidence has been identified for this variant. (N) 1208 - Inheritance information for this variant is not currently available. (N) Legend: (P) - Pathogenic, (N) - Neutral, (B) - Benign

Literature cited by the submitters: PubMed 20061559; PubMed 24315485; PubMed 27834397; PubMed 30890702; PubMed 31827242.

NM_001127208.3(TET2):c.4600C>T (p.Gln1534Ter)

Genes: TET2-AS1 (TET2 antisense RNA 1; minus strand), TET2 (tet methylcytosine dioxygenase 2; plus strand). Cytogenetic location: 4q24.
Variant type: single nucleotide variant.
Coding change: c.4600C>T on transcript NM_001127208.3 (MANE Select); coding-DNA position 4600, C replaced by T.
Protein change: p.Gln1534Ter; replaces glutamine 1534 with a stop codon.
Molecular consequence: nonsense.
Genome position (GRCh38, 1-based): chr4:105,275,110, C>T. VCF-style: chr4-105275110-C-T. GRCh37 (hg19) VCF-style: chr4-106196267-C-T.
Other names: short protein forms Q1534*.
Identifiers: ClinVar variation 1699010 (VCV001699010.3), dbSNP rs966055775, ClinGen allele CA102780195.